The following is an entry in ClinVar:

NM_014003.4(DHX38):c.64G>A (p.Val22Ile)

Gene: DHX38 (DEAH-box helicase 38; plus strand). Cytogenetic location: 16q22.2.
Variant type: single nucleotide variant.
Coding change: c.64G>A on transcript NM_014003.4 (MANE Select); coding-DNA position 64, G replaced by A.
Protein change: p.Val22Ile; replaces valine 22 with isoleucine.
Molecular consequence: missense variant.
Genome position (GRCh38, 1-based): chr16:72,096,221, G>A. VCF-style: chr16-72096221-G-A. GRCh37 (hg19) VCF-style: chr16-72130120-G-A.
Other names: short protein forms V22I.
Identifiers: ClinVar variation 1378168 (VCV001378168.5), dbSNP rs2144128817, ClinGen allele CA396698750.
Genomic context (GRCh38, chr16:72,096,221, plus strand): 5'-GGGGACACCAGTGAGGATGCCTCGATCCATCGATTGGAAGGCACTGATCTGGACTGTCAG[G>A]TTGGTGGTCTTATTTGCAAGTCCAAAAGTGCGGCCAGCGAGCAGCATGTCTTCAAGGCTC-3'
Protein context (NP_054722.2, residues 12-32): RLEGTDLDCQ[Val22Ile]GGLICKSKSA

ClinVar aggregate classification (germline): Uncertain significance (1 of 4 stars; one submission).

Submission:

Labcorp Genetics (formerly Invitae), Labcorp
Classification: Uncertain significance. Last evaluated: 2024-02-24. Review status: criteria provided, single submitter. Criteria: Invitae Variant Classification Sherloc (09022015). Collection method: clinical testing. Allele origin: germline.
Comment: This sequence change replaces valine, which is neutral and non-polar, with isoleucine, which is neutral and non-polar, at codon 22 of the DHX38 protein (p.Val22Ile). This variant is not present in population databases (gnomAD no frequency). This variant has not been reported in the literature in individuals affected with DHX38-related conditions. ClinVar contains an entry for this variant (Variation ID: 1378168). An algorithm developed to predict the effect of missense changes on protein structure and function (PolyPhen-2) suggests that this variant¬†is likely to be tolerated. In summary, the available evidence is currently insufficient to determine the role of this variant in disease. Therefore, it has been classified as a Variant of Uncertain Significance.